The following is an entry in ClinVar:

NM_001244926.2(PRPF4):c.194A>G (p.Asn65Ser)

Gene: PRPF4 (pre-mRNA splicing tri-snRNP complex factor PRPF4; plus strand). Cytogenetic location: 9q32.
Variant type: single nucleotide variant.
Coding change: c.194A>G on transcript NM_001244926.2 (MANE Select); coding-DNA position 194, A replaced by G.
Protein change: p.Asn65Ser; replaces asparagine 65 with serine.
Molecular consequence: missense variant. On other transcripts: 5 prime UTR variant (2), non-coding transcript variant (2).
Genome position (GRCh38, 1-based): chr9:113,276,714, A>G. VCF-style: chr9-113276714-A-G. GRCh37 (hg19) VCF-style: chr9-116038994-A-G.
Other names: c.-572A>G (NM_001322266.2, NM_001322267.2); c.197A>G, p.Asn66Ser (NM_004697.5); short protein forms N65S, N66S.
Identifiers: ClinVar variation 1506632 (VCV001506632.8), dbSNP rs2118583015, ClinGen allele CA374551793.

ClinVar aggregate classification (germline): Uncertain significance (1 of 4 stars; one submission).

Submission:

Labcorp Genetics (formerly Invitae), Labcorp
Classification: Uncertain significance. Last evaluated: 2022-06-13. Review status: criteria provided, single submitter. Criteria: Invitae Variant Classification Sherloc (09022015). Collection method: clinical testing. Allele origin: germline.
Comment: In summary, the available evidence is currently insufficient to determine the role of this variant in disease. Therefore, it has been classified as a Variant of Uncertain Significance. Algorithms developed to predict the effect of missense changes on protein structure and function are either unavailable or do not agree on the potential impact of this missense change (SIFT: "Tolerated"; PolyPhen-2: "Possibly Damaging"; Align-GVGD: "Class C0"). This variant has not been reported in the literature in individuals affected with PRPF4-related conditions. This variant is not present in population databases (gnomAD no frequency). This sequence change replaces asparagine, which is neutral and polar, with serine, which is neutral and polar, at codon 66 of the PRPF4 protein (p.Asn66Ser).